The following is an entry in ClinVar:

NM_005555.4(KRT6B):c.332G>A (p.Gly111Asp)

Gene: KRT6B (keratin 6B; minus strand). Cytogenetic location: 12q13.13.
Variant type: single nucleotide variant.
Coding change: c.332G>A on transcript NM_005555.4 (MANE Select); coding-DNA position 332, G replaced by A.
Protein change: p.Gly111Asp; replaces glycine 111 with aspartic acid.
Molecular consequence: missense variant.
Genome position (GRCh38, 1-based): chr12:52,451,747, C>T on the plus strand (G>A on the coding strand, the complement: KRT6B is on the minus strand). VCF-style: chr12-52451747-C-T. GRCh37 (hg19) VCF-style: chr12-52845531-C-T.
Other names: short protein forms G111D.
Identifiers: ClinVar variation 518252 (VCV000518252.5), dbSNP rs61745883, ClinGen allele CA6580888.

ClinVar aggregate classification (germline): Benign. Review status: criteria provided, multiple submitters, no conflicts (2 of 4 stars). 4 submissions from 4 submitters: Benign (2). 2 of the submissions do not count toward it. Last evaluated 2015-08-21.

Conditions:
KRT6B-related disorder. Also called: KRT6B-related condition.
Pachyonychia congenita 2 (PC2). Also called: KRT17-Related Pachyonychia Congenita; KRT6B-Related Pachyonychia Congenita; PC-K17; PACHYONYCHIA CONGENITA, JACKSON-LAWLER TYPE; Jackson-Lawler syndrome. Identifiers: Orphanet 2309, MedGen C1721007, MONDO:0008174, OMIM 167210.

Allele frequency attached by ClinVar (database versions not stated): gnomAD 0.17962; ExAC 0.27136.

Submissions (4):

Clinical Genetics DNA and cytogenetics Diagnostics Lab, Erasmus MC, Erasmus Medical Center
Classification: Benign for Pachyonychia congenita 2. Last evaluated: 2015-08-21. Review status: criteria provided, single submitter. Criteria: ACGS Guidelines, 2013. Collection method: clinical testing. Allele origin: germline. Affected: yes. Study: VKGL Data-share Consensus.

Breakthrough Genomics
Classification: Benign. Review status: criteria provided, single submitter. Criteria: ACMG Guidelines, 2015. Collection method: not provided. Allele origin: germline. Inheritance: Autosomal dominant inheritance. Affected: yes.

PreventionGenetics, part of Exact Sciences
Classification: Benign for KRT6B-related condition. Last evaluated: 2024-01-03. Review status: no assertion criteria provided. Collection method: clinical testing. Allele origin: germline. Not counted in ClinVar's aggregate classification.
Comment: This variant is classified as benign based on ACMG/AMP sequence variant interpretation guidelines (Richards et al. 2015 PMID: 25741868, with internal and published modifications).

Diagnostic Laboratory, Department of Genetics, University Medical Center Groningen
Classification: Benign for Pachyonychia congenita 2. Review status: no assertion criteria provided. Collection method: clinical testing. Allele origin: germline. Affected: yes. Study: VKGL Data-share Consensus. Not counted in ClinVar's aggregate classification.